The following is an entry in ClinVar:

NM_001378609.3(OTOGL):c.5027C>G (p.Ser1676Ter)

Gene: OTOGL (otogelin like; plus strand). Cytogenetic location: 12q21.31.
Variant type: single nucleotide variant.
Coding change: c.5027C>G on transcript NM_001378609.3 (MANE Select); coding-DNA position 5027, C replaced by G.
Protein change: p.Ser1676Ter; replaces serine 1676 with a stop codon.
Molecular consequence: nonsense.
Genome position (GRCh38, 1-based): chr12:80,339,241, C>G. VCF-style: chr12-80339241-C-G. GRCh37 (hg19) VCF-style: chr12-80733021-C-G.
Other names: c.4892C>G, p.Ser1631Ter (NM_001368062.3); c.5027C>G, p.Ser1676Ter (NM_001378610.3, NM_173591.7); short protein forms S1667*, S1631*, S1676*.
Identifiers: ClinVar variation 495109 (VCV000495109.3), dbSNP rs1477766714, ClinGen allele CA385882773.

ClinVar aggregate classification (germline): Likely pathogenic (1 of 4 stars; one submission).

Conditions:
Autosomal recessive nonsyndromic hearing loss 84B. Also called: Deafness, autosomal recessive 84b. Identifiers: Orphanet 90636, MedGen C3554159, MONDO:0013984, OMIM 614944.

Submission:

Tehran Medical Genetics Laboratory
Classification: Likely pathogenic for Autosomal recessive nonsyndromic hearing loss 84B. Last evaluated: 2016-10-05. Review status: criteria provided, single submitter. Criteria: ACMG Guidelines, 2015. Collection method: clinical testing. Allele origin: inherited. Inheritance: Autosomal recessive inheritance. Affected: yes. Observed: 1 variant allele, 1 compound heterozygote.
Comment: This variant was found in compound heterozygous form with c.4253G>T/p.C1418F, which is a previously unreported variant but was not submitted to ClinVar.